The following is an entry in ClinVar:

NM_006245.4(PPP2R5D):c.1428G>T (p.Met476Ile)

Gene: PPP2R5D (protein phosphatase 2 regulatory subunit B'delta; plus strand). Cytogenetic location: 6p21.1.
Variant type: single nucleotide variant.
Coding change: c.1428G>T on transcript NM_006245.4 (MANE Select); coding-DNA position 1428, G replaced by T.
Protein change: p.Met476Ile; replaces methionine 476 with isoleucine.
Molecular consequence: missense variant.
Genome position (GRCh38, 1-based): chr6:43,010,516, G>T. VCF-style: chr6-43010516-G-T. GRCh37 (hg19) VCF-style: chr6-42978254-G-T.
Other names: c.975G>T, p.Met325Ile (NM_001270476.2); c.1332G>T, p.Met444Ile (NM_180976.3); c.1110G>T, p.Met370Ile (NM_180977.3); short protein forms M325I, M370I, M444I, M476I.
Identifiers: ClinVar variation 3650697 (VCV003650697.2).
Genomic context (GRCh38, chr6:43,010,516, plus strand): 5'-TCTTGGTGGCAGGACAATCCATGGACTGATCTATAATGCCCTGAAGTTGTTTATGGAAAT[G>T]AATCAGAAGCTGTTTGATGACTGCACACAACAATACAAGGCAGAGAAGCAGAAGTGAGTA-3'
Protein context (NP_006236.1, residues 466-486): IYNALKLFME[Met476Ile]NQKLFDDCTQ

ClinVar aggregate classification (germline): Uncertain significance (1 of 4 stars; one submission).

Submission:

Labcorp Genetics (formerly Invitae), Labcorp
Classification: Uncertain significance. Last evaluated: 2024-04-24. Review status: criteria provided, single submitter. Criteria: Invitae Variant Classification Sherloc (09022015). Collection method: clinical testing. Allele origin: germline.
Comment: This sequence change replaces methionine, which is neutral and non-polar, with isoleucine, which is neutral and non-polar, at codon 476 of the PPP2R5D protein (p.Met476Ile). This variant is not present in population databases (gnomAD no frequency). This variant has not been reported in the literature in individuals affected with PPP2R5D-related conditions. An algorithm developed to predict the effect of missense changes on protein structure and function (PolyPhen-2) suggests that this variant is likely to be tolerated. In summary, the available evidence is currently insufficient to determine the role of this variant in disease. Therefore, it has been classified as a Variant of Uncertain Significance.